The following is an entry in ClinVar:

ClinVar aggregate classification (germline): Uncertain significance (1 of 4 stars; one submission).

Submission:

Labcorp Genetics (formerly Invitae), Labcorp
Classification: Uncertain significance. Last evaluated: 2022-06-19. Review status: criteria provided, single submitter. Criteria: Invitae Variant Classification Sherloc (09022015). Collection method: clinical testing. Allele origin: germline.
Comment: This variant has not been reported in the literature in individuals affected with PDSS1-related conditions. In summary, the available evidence is currently insufficient to determine the role of this variant in disease. Therefore, it has been classified as a Variant of Uncertain Significance. Experimental studies and prediction algorithms are not available or were not evaluated, and the functional significance of this variant is currently unknown. This variant is not present in population databases (gnomAD no frequency). This variant occurs in a non-coding region of the PDSS1 gene. It does not change the encoded amino acid sequence of the PDSS1 protein.

NM_014317.5(PDSS1):c.*2_*4dup

Gene: PDSS1 (decaprenyl diphosphate synthase subunit 1; plus strand). Cytogenetic location: 10p12.1.
Variant type: Duplication.
Coding change: c.*2_*4dup on transcript NM_014317.5 (MANE Select); 2 bases downstream of the stop codon through 4 bases downstream of the stop codon, 3 bases duplicated (AAC; older notation c.*2_*4dupAAC).
Molecular consequence: no sequence alteration. On other transcripts: 3 prime UTR variant (1).
Genome position (GRCh38, 1-based): chr10:26,746,475-26,746,477, AAC duplicated; duplicating any 3 consecutive bases within chr10:26,746,473-26,746,477 gives the same sequence; the c. name uses the placement nearest the transcript's 3' end. VCF-style (leftmost placement, unchanged base first): chr10-26746472-G-GACA. GRCh37 (hg19) VCF-style: chr10-27035401-G-GACA.
Other names: c.*138_*140dup (NM_001321978.2); c.*2_*4dup (NM_001321979.2).
Identifiers: ClinVar variation 1966971 (VCV001966971.5), dbSNP rs777891711, ClinGen allele CA5447177.
Genomic context (GRCh38, chr10:26,746,472, plus strand): 5'-CATCCCCAGAAAGAGATGCCCTCATTCAGCTTTCAGAAATTGTACTCACAAGAGATAAAT[G>GACA]ACAACTCTTTCTGTTCTTTCTGGCAGCTATCTTACCAGACTGTGCCTAAAGAATTTTGTG-3'